The following is an entry in ClinVar:

ClinVar aggregate classification (germline): Likely pathogenic (1 of 4 stars; one submission).

Conditions:
Mitochondrial complex III deficiency nuclear type 8. Identifiers: MedGen C4014440, MONDO:0014364, OMIM 615838.

Submission:

Department of Pediatrics, GMC Srinagar, Government Medical College Srinagar
Classification: Likely pathogenic for Mitochondrial complex III deficiency nuclear type 8. Last evaluated: 2026-07-29. Review status: criteria provided, single submitter. Criteria: ACMG Guidelines, 2015. Collection method: clinical testing. Allele origin: germline. Inheritance: Autosomal recessive inheritance. Affected: yes. Observed: 1 variant allele, 1 homozygote.
Comment: This variant is classified as likely pathogenic as it affects the canonical splice donor site and is extremely rare in population databases [e.g., gnomAD v.4.1.1: overall (exomes+genomes) allele count of 5 (AF: 0.000003344)].

NM_181705.4(LYRM7):c.243_244+2del

Gene: LYRM7 (LYR motif containing 7; plus strand). Cytogenetic location: 5q23.3.
Variant type: Deletion.
Coding change: c.243_244+2del on transcript NM_181705.4 (MANE Select); coding-DNA position 243 through the canonical splice donor site of the intron after coding-DNA position 244, 4 bases deleted (GAGT; older notation c.243_244+2delGAGT).
Molecular consequence: splice donor variant. On other transcripts: intron variant (1).
Genome position (GRCh38, 1-based): chr5:131,187,108-131,187,111, GAGT deleted; deleting any 4 consecutive bases within chr5:131,187,107-131,187,111 gives the same sequence; the c. name uses the placement nearest the transcript's 3' end. VCF-style (leftmost placement, unchanged base first): chr5-131187106-CTGAG-C. GRCh37 (hg19) VCF-style: chr5-130522799-CTGAG-C.
Other names: c.162+4809_162+4812del (NM_001293735.2).
Identifiers: ClinVar variation 4880272 (VCV004880272.1).